The following is an entry in ClinVar:

ClinVar aggregate classification (germline): Uncertain significance. Review status: criteria provided, multiple submitters, no conflicts (2 of 4 stars). 3 submissions from 3 submitters: Uncertain significance (2). 1 of the submissions does not count toward it. Last evaluated 2022-08-09.

Conditions:
Deficiency of beta-ureidopropionase (UPB1D). Also called: Beta-ureidopropionase deficiency. Identifiers: Orphanet 65287, MedGen C1291512, MONDO:0013164, OMIM 613161.

Allele frequency attached by ClinVar (database versions not stated): TOPMed 0.00002; gnomAD 0.00003 and 0.00004; gnomAD exomes 0.00005 and 0.00006; ExAC 0.00008.
gnomAD v4.1: 84 of 1,613,948 alleles (0.0052%); highest among the groups gnomAD compares: Non-Finnish European, 0.0068%; no homozygotes.

Submissions (3):

Labcorp Genetics (formerly Invitae), Labcorp
Classification: Uncertain significance. Last evaluated: 2022-08-09. Review status: criteria provided, single submitter. Criteria: Invitae Variant Classification Sherloc (09022015). Collection method: clinical testing. Allele origin: germline.
Comment: This sequence change replaces serine, which is neutral and polar, with leucine, which is neutral and non-polar, at codon 300 of the UPB1 protein (p.Ser300Leu). This variant is present in population databases (rs762081192, gnomAD 0.009%). This variant has not been reported in the literature in individuals affected with UPB1-related conditions. ClinVar contains an entry for this variant (Variation ID: 340936). Algorithms developed to predict the effect of missense changes on protein structure and function (SIFT, PolyPhen-2, Align-GVGD) all suggest that this variant is likely to be disruptive. In summary, the available evidence is currently insufficient to determine the role of this variant in disease. Therefore, it has been classified as a Variant of Uncertain Significance.

Illumina Laboratory Services, Illumina
Classification: Uncertain significance for Deficiency of beta-ureidopropionase. Last evaluated: 2018-01-13. Review status: criteria provided, single submitter. Criteria: ICSL Variant Classification Criteria 13 December 2019. Collection method: clinical testing. Allele origin: germline.

OMIM
Classification: Pathogenic for BETA-UREIDOPROPIONASE DEFICIENCY. Last evaluated: 2023-04-17. Review status: no assertion criteria provided. Collection method: literature only. Allele origin: germline. Not counted in ClinVar's aggregate classification.

Literature cited by the submitters: PubMed 35151535 (cited by OMIM).

NM_016327.3(UPB1):c.899C>T (p.Ser300Leu)

Gene: UPB1 (beta-ureidopropionase 1; plus strand). Cytogenetic location: 22q11.23.
Variant type: single nucleotide variant.
Coding change: c.899C>T on transcript NM_016327.3 (MANE Select); coding-DNA position 899, C replaced by T.
Protein change: p.Ser300Leu; replaces serine 300 with leucine.
Molecular consequence: missense variant.
Genome position (GRCh38, 1-based): chr22:24,522,011, C>T. VCF-style: chr22-24522011-C-T. GRCh37 (hg19) VCF-style: chr22-24917979-C-T.
Other names: UPB1, SER300LEU (rs762081192); short protein forms S300L.
Identifiers: ClinVar variation 340936 (VCV000340936.12), dbSNP rs762081192, ClinGen allele CA10153420.